The following is an entry in ClinVar:

ClinVar aggregate classification (germline): Uncertain significance (1 of 4 stars; one submission).

Conditions:
Familial adenomatous polyposis 2. Also called: COLORECTAL ADENOMATOUS POLYPOSIS, AUTOSOMAL RECESSIVE; ADENOMAS, MULTIPLE COLORECTAL, AUTOSOMAL RECESSIVE; MYH-associated polyposis; FAP type 2; MUTYH-associated polyposis; MUTYH-related attenuated familial adenomatous polyposis. Identifiers: Orphanet 220460, Orphanet 247798, MedGen C3272841, MONDO:0012041, OMIM 608456.

Submission:

Labcorp Genetics (formerly Invitae), Labcorp
Classification: Uncertain significance for Familial adenomatous polyposis 2. Last evaluated: 2019-09-30. Review status: criteria provided, single submitter. Criteria: Invitae Variant Classification Sherloc (09022015). Collection method: clinical testing. Allele origin: germline.
Comment: In summary, the available evidence is currently insufficient to determine the role of this variant in disease. Therefore, it has been classified as a Variant of Uncertain Significance. Algorithms developed to predict the effect of missense changes on protein structure and function (SIFT, PolyPhen-2, Align-GVGD) all suggest that this variant is likely to be disruptive, but these predictions have not been confirmed by published functional studies and their clinical significance is uncertain. This variant has not been reported in the literature in individuals with MUTYH-related conditions. This variant is not present in population databases (ExAC no frequency). This sequence change replaces tryptophan with serine at codon 174 of the MUTYH protein (p.Trp174Ser). The tryptophan residue is highly conserved and there is a large physicochemical difference between tryptophan and serine.

NM_001048174.2(MUTYH):c.437G>C (p.Trp146Ser)

Gene: MUTYH (mutY DNA glycosylase; minus strand). Cytogenetic location: 1p34.1.
Variant type: single nucleotide variant.
Coding change: c.437G>C on transcript NM_001048174.2 (MANE Select); coding-DNA position 437, G replaced by C.
Protein change: p.Trp146Ser; replaces tryptophan 146 with serine.
Molecular consequence: missense variant. On other transcripts: non-coding transcript variant (2).
Genome position (GRCh38, 1-based): chr1:45,332,818, C>G on the plus strand (G>C on the coding strand, the complement: MUTYH is on the minus strand). VCF-style: chr1-45332818-C-G. GRCh37 (hg19) VCF-style: chr1-45798490-C-G.
Other names: c.437G>C, p.Trp146Ser (NM_001048171.2, NM_001048173.2, NM_001293195.2); c.440G>C, p.Trp147Ser (NM_001048172.2); c.521G>C, p.Trp174Ser (NM_001128425.2); c.482G>C, p.Trp161Ser (NM_001293190.2); c.470G>C, p.Trp157Ser (NM_001293191.2); c.161G>C, p.Trp54Ser (NM_001293192.2, NM_001293196.2); c.92G>C, p.Trp31Ser (NM_001350650.2, NM_001350651.2); c.512G>C, p.Trp171Ser (NM_012222.3); short protein forms W157S, W161S, W174S, W54S, W146S, W147S, W171S, W31S.
Identifiers: ClinVar variation 972059 (VCV000972059.9), dbSNP rs1306473047, ClinGen allele CA340135795.
Genomic context (GRCh38, chr1:45,332,818, plus strand): 5'-CTTACCTTCCGAGCTCCCTCCTGCAGCCGCCGGCCACGAGAATAGTAGCCCAGGCCAGCC[C>G]AGAGTTGATTCACCTCCTGTGGGTAGGATCAGAGGTCAAAGAGATCACCCGTCAGTCCCT-3'
Protein context (NP_001041639.1, residues 136-156): SASLEEVNQL[Trp146Ser]AGLGYYSRGR